The following is an entry in ClinVar:

ClinVar aggregate classification (germline): Uncertain significance (1 of 4 stars; one submission).

gnomAD v4.1: 1 of 1,613,472 alleles (0.000062%); highest among the groups gnomAD compares: African/African-American, 0.0013%; no homozygotes.

Submission:

Labcorp Genetics (formerly Invitae), Labcorp
Classification: Uncertain significance. Last evaluated: 2022-05-30. Review status: criteria provided, single submitter. Criteria: Invitae Variant Classification Sherloc (09022015). Collection method: clinical testing. Allele origin: germline.
Comment: In summary, the available evidence is currently insufficient to determine the role of this variant in disease. Therefore, it has been classified as a Variant of Uncertain Significance. Algorithms developed to predict the effect of sequence changes on RNA splicing suggest that this variant may create or strengthen a splice site. Algorithms developed to predict the effect of missense changes on protein structure and function are either unavailable or do not agree on the potential impact of this missense change (SIFT: "Deleterious"; PolyPhen-2: "Probably Damaging"; Align-GVGD: "Class C0"). This variant has not been reported in the literature in individuals affected with LCA5-related conditions. This variant is present in population databases (no rsID available, gnomAD 0.008%). This sequence change replaces aspartic acid, which is acidic and polar, with glycine, which is neutral and non-polar, at codon 689 of the LCA5 protein (p.Asp689Gly).

NM_001122769.3(LCA5):c.2066A>G (p.Asp689Gly)

Gene: LCA5 (lebercilin LCA5; minus strand). Cytogenetic location: 6q14.1.
Variant type: single nucleotide variant.
Coding change: c.2066A>G on transcript NM_001122769.3 (MANE Select); coding-DNA position 2066, A replaced by G.
Protein change: p.Asp689Gly; replaces aspartic acid 689 with glycine.
Molecular consequence: missense variant.
Genome position (GRCh38, 1-based): chr6:79,487,032, T>C on the plus strand (A>G on the coding strand, the complement: LCA5 is on the minus strand). VCF-style: chr6-79487032-T-C. GRCh37 (hg19) VCF-style: chr6-80196749-T-C.
Other names: c.2066A>G, p.Asp689Gly (NM_181714.4); short protein forms D689G.
Identifiers: ClinVar variation 2164454 (VCV002164454.4), dbSNP rs749127744, ClinGen allele CA141859982.